The following is an entry in ClinVar:

ClinVar aggregate classification (germline): Uncertain significance (0 of 4 stars; one submission).

Conditions:
F13A1-related disorder. Also called: F13A1-related condition.

gnomAD v4.1: 148 of 1,613,994 alleles (0.0092%); highest among the groups gnomAD compares: Admixed American, 0.015%; no homozygotes.

Submission:

PreventionGenetics, part of Exact Sciences
Classification: Uncertain significance for F13A1-related condition. Last evaluated: 2024-03-14. Review status: no assertion criteria provided. Collection method: clinical testing. Allele origin: germline.
Comment: The F13A1 c.1835G>A variant is predicted to result in the amino acid substitution p.Arg612His. This variant is reported in 0.017% of alleles in individuals of Latino descent in gnomAD. At this time, the clinical significance of this variant is uncertain due to the absence of conclusive functional and genetic evidence.

NM_000129.4(F13A1):c.1835G>A (p.Arg612His)

Gene: F13A1 (coagulation factor XIII A chain; minus strand). Cytogenetic location: 6p25.1.
Variant type: single nucleotide variant.
Coding change: c.1835G>A on transcript NM_000129.4 (MANE Select); coding-DNA position 1835, G replaced by A.
Protein change: p.Arg612His; replaces arginine 612 with histidine.
Molecular consequence: missense variant.
Genome position (GRCh38, 1-based): chr6:6,167,531, C>T on the plus strand (G>A on the coding strand, the complement: F13A1 is on the minus strand). VCF-style: chr6-6167531-C-T. GRCh37 (hg19) VCF-style: chr6-6167764-C-T.
Other names: short protein forms R612H.
Identifiers: ClinVar variation 3347123 (VCV003347123.1).